The following is an entry in ClinVar:

ClinVar aggregate classification (germline): Uncertain significance. Review status: criteria provided, multiple submitters, no conflicts (2 of 4 stars). 2 submissions from 2 submitters: Uncertain significance (2). Last evaluated 2024-12-15.

Conditions:
Inborn genetic diseases. Identifiers: MedGen C0950123, MeSH D030342.
Glycogen storage disease due to muscle and heart glycogen synthase deficiency. Also called: GSD 0b; MUSCLE GLYCOGEN SYNTHASE DEFICIENCY. Identifiers: Orphanet 137625, MedGen C1969054, MONDO:0012693, OMIM 611556.

Allele frequency attached by ClinVar (database versions not stated): gnomAD exomes below 0.00001; TOPMed below 0.00001.

Submissions (2):

Ambry Genetics
Classification: Uncertain significance for Inborn genetic diseases. Last evaluated: 2024-12-15. Review status: criteria provided, single submitter. Criteria: Ambry Variant Classification Scheme 2023. Collection method: clinical testing. Allele origin: germline.

Labcorp Genetics (formerly Invitae), Labcorp
Classification: Uncertain significance for Glycogen storage disease 0, muscle. Last evaluated: 2019-08-02. Review status: criteria provided, single submitter. Criteria: Invitae Variant Classification Sherloc (09022015). Collection method: clinical testing. Allele origin: germline.
Comment: This sequence change replaces threonine with methionine at codon 45 of the GYS1 protein (p.Thr45Met). The threonine residue is highly conserved and there is a moderate physicochemical difference between threonine and methionine. This variant is not present in population databases (ExAC no frequency). This variant has not been reported in the literature in individuals with GYS1-related conditions. Algorithms developed to predict the effect of missense changes on protein structure and function are either unavailable or do not agree on the potential impact of this missense change (SIFT: "Deleterious"; PolyPhen-2: "Probably Damaging"; Align-GVGD: "Class C0"). In summary, the available evidence is currently insufficient to determine the role of this variant in disease. Therefore, it has been classified as a Variant of Uncertain Significance.

NM_002103.5(GYS1):c.134C>T (p.Thr45Met)

Gene: GYS1 (glycogen synthase 1; minus strand). Cytogenetic location: 19q13.33.
Variant type: single nucleotide variant.
Coding change: c.134C>T on transcript NM_002103.5 (MANE Select); coding-DNA position 134, C replaced by T.
Protein change: p.Thr45Met; replaces threonine 45 with methionine.
Molecular consequence: missense variant.
Genome position (GRCh38, 1-based): chr19:48,991,468, G>A on the plus strand (C>T on the coding strand, the complement: GYS1 is on the minus strand). VCF-style: chr19-48991468-G-A. GRCh37 (hg19) VCF-style: chr19-49494725-G-A.
Other names: c.134C>T, p.Thr45Met (NM_001161587.2); short protein forms T45M.
Identifiers: ClinVar variation 945011 (VCV000945011.2), dbSNP rs1600154972, ClinGen allele CA406766850.